The following is an entry in ClinVar:

NM_002439.5(MSH3):c.451G>A (p.Val151Ile)

Gene: MSH3 (mutS homolog 3; plus strand). Cytogenetic location: 5q14.1.
Variant type: single nucleotide variant.
Coding change: c.451G>A on transcript NM_002439.5 (MANE Select); coding-DNA position 451, G replaced by A.
Protein change: p.Val151Ile; replaces valine 151 with isoleucine.
Molecular consequence: missense variant.
Genome position (GRCh38, 1-based): chr5:80,665,235, G>A. VCF-style: chr5-80665235-G-A. GRCh37 (hg19) VCF-style: chr5-79961054-G-A.
Other names: short protein forms V151I.
Identifiers: ClinVar variation 1982420 (VCV001982420.4), dbSNP rs1464009096, ClinGen allele CA360263504.

ClinVar aggregate classification (germline): Uncertain significance (1 of 4 stars; one submission).

Allele frequency attached by ClinVar (database versions not stated): gnomAD exomes below 0.00001; TOPMed below 0.00001.
gnomAD v4.1: 1 of 1,614,114 alleles (0.000062%); highest among the groups gnomAD compares: Non-Finnish European, 0.000085%; no homozygotes.

Submission:

Labcorp Genetics (formerly Invitae), Labcorp
Classification: Uncertain significance. Last evaluated: 2022-11-08. Review status: criteria provided, single submitter. Criteria: Invitae Variant Classification Sherloc (09022015). Collection method: clinical testing. Allele origin: germline.
Comment: In summary, the available evidence is currently insufficient to determine the role of this variant in disease. Therefore, it has been classified as a Variant of Uncertain Significance. Algorithms developed to predict the effect of missense changes on protein structure and function (SIFT, PolyPhen-2, Align-GVGD) all suggest that this variant is likely to be tolerated. This variant has not been reported in the literature in individuals affected with MSH3-related conditions. This variant is not present in population databases (gnomAD no frequency). This sequence change replaces valine, which is neutral and non-polar, with isoleucine, which is neutral and non-polar, at codon 151 of the MSH3 protein (p.Val151Ile).